The following is an entry in ClinVar:

NM_058216.3(RAD51C):c.850A>G (p.Asn284Asp)

Gene: RAD51C (RAD51 paralog C; plus strand). Cytogenetic location: 17q22.
Variant type: single nucleotide variant.
Coding change: c.850A>G on transcript NM_058216.3 (MANE Select); coding-DNA position 850, A replaced by G.
Protein change: p.Asn284Asp; replaces asparagine 284 with aspartic acid.
Molecular consequence: missense variant. On other transcripts: non-coding transcript variant (1).
Genome position (GRCh38, 1-based): chr17:58,720,758, A>G. VCF-style: chr17-58720758-A-G. GRCh37 (hg19) VCF-style: chr17-56798119-A-G.
Other names: short protein forms N284D.
Identifiers: ClinVar variation 538778 (VCV000538778.10), dbSNP rs1555602090, ClinGen allele CA400359377.

ClinVar aggregate classification (germline): Uncertain significance (1 of 4 stars; one submission).

Conditions:
Fanconi anemia complementation group O. Also called: RAD51C-Related Fanconi Anemia. Identifiers: Orphanet 84, MedGen C3150653, MONDO:0013248, OMIM 613390.

Submission:

Labcorp Genetics (formerly Invitae), Labcorp
Classification: Uncertain significance for Fanconi anemia complementation group O. Last evaluated: 2022-03-05. Review status: criteria provided, single submitter. Criteria: Invitae Variant Classification Sherloc (09022015). Collection method: clinical testing. Allele origin: germline.
Comment: In summary, the available evidence is currently insufficient to determine the role of this variant in disease. Therefore, it has been classified as a Variant of Uncertain Significance. This sequence change replaces asparagine, which is neutral and polar, with aspartic acid, which is acidic and polar, at codon 284 of the RAD51C protein (p.Asn284Asp). This variant is not present in population databases (gnomAD no frequency). This variant has not been reported in the literature in individuals affected with RAD51C-related conditions. ClinVar contains an entry for this variant (Variation ID: 538778). Algorithms developed to predict the effect of missense changes on protein structure and function are either unavailable or do not agree on the potential impact of this missense change (SIFT: "Deleterious"; PolyPhen-2: "Probably Damaging"; Align-GVGD: "Class C15").